The following is an entry in ClinVar:

NM_177438.3(DICER1):c.943C>G (p.Pro315Ala)

Gene: DICER1 (dicer 1, ribonuclease III; minus strand). Cytogenetic location: 14q32.13.
Variant type: single nucleotide variant.
Coding change: c.943C>G on transcript NM_177438.3 (MANE Select); coding-DNA position 943, C replaced by G.
Protein change: p.Pro315Ala; replaces proline 315 with alanine.
Molecular consequence: missense variant. On other transcripts: 5 prime UTR variant (1), non-coding transcript variant (6).
Genome position (GRCh38, 1-based): chr14:95,124,629, G>C on the plus strand (C>G on the coding strand, the complement: DICER1 is on the minus strand). VCF-style: chr14-95124629-G-C. GRCh37 (hg19) VCF-style: chr14-95590966-G-C.
Other names: c.943C>G, p.Pro315Ala (NM_001195573.1, NM_001271282.3, NM_001291628.2 and 15 more transcripts); c.661C>G, p.Pro221Ala (NM_001395686.1); c.538C>G, p.Pro180Ala (NM_001395687.1, NM_001395688.1, NM_001395689.1 and 3 more transcripts); c.376C>G, p.Pro126Ala (NM_001395691.1); c.-626C>G (NM_001395697.1); short protein forms P126A, P180A, P221A, P315A.
Identifiers: ClinVar variation 3229456 (VCV003229456.1), dbSNP rs2140208108, ClinGen allele CA390887324.

ClinVar aggregate classification (germline): Uncertain significance (1 of 4 stars; one submission).

Conditions:
Hereditary cancer-predisposing syndrome. Also called: Neoplastic Syndromes, Hereditary; Tumor predisposition; Hereditary neoplastic syndrome; Hereditary Cancer Syndrome. Identifiers: Orphanet 140162, MedGen C0027672, MeSH D009386, MONDO:0015356.

Submission:

Ambry Genetics
Classification: Uncertain significance for Hereditary cancer-predisposing syndrome. Last evaluated: 2024-01-16. Review status: criteria provided, single submitter. Criteria: Ambry Variant Classification Scheme 2023. Collection method: clinical testing. Allele origin: germline.
Comment: The p.P315A variant (also known as c.943C>G), located in coding exon 7 of the DICER1 gene, results from a C to G substitution at nucleotide position 943. The proline at codon 315 is replaced by alanine, an amino acid with highly similar properties. This amino acid position is conserved. In addition, the in silico prediction for this alteration is inconclusive. Since supporting evidence is limited at this time, the clinical significance of this alteration remains unclear.